The following is an entry in ClinVar:

ClinVar aggregate classification (germline): Likely pathogenic (1 of 4 stars; one submission).

Conditions:
Maturity-onset diabetes of the young (MODY). Also called: Maturity onset diabetes mellitus in young. Identifiers: Orphanet 552, MedGen C0342276, MONDO:0018911, HP:0004904.

Submission:

Ambry Genetics
Classification: Likely pathogenic for Maturity-onset diabetes of the young. Last evaluated: 2018-08-13. Review status: criteria provided, single submitter. Criteria: Ambry Variant Classification Scheme 2023. Collection method: clinical testing. Allele origin: germline.
Comment: The c.955+2T>C intronic variant results from a T to C substitution two nucleotides after coding exon 4 in the HNF1A gene. This variant was identified in one individual from a cohort submitted for testing for maturity-onset diabetes of the young (Bellann&eacute;-Chantelot C et al. Diabetes, 2008 Feb;57:503-8). This nucleotide position is highly conserved in available vertebrate species. Using two different splice site prediction tools, this alteration is predicted by BDGP to abolish the native splice donor site, but is predicted to weaken (but not abolish) the efficiency of the native splice donor site by ESEfinder; however, direct evidence is unavailable. In addition to the clinical data presented in the literature, alterations that disrupt the canonical splice site are expected to cause aberrant splicing, resulting in an abnormal protein or a transcript that is subject to nonsense-mediated mRNA decay. As such, this alteration is classified as likely pathogenic.

Literature cited by the submitters: PubMed 18003757.

NM_000545.8(HNF1A):c.955+2T>C

Gene: HNF1A (HNF1 homeobox A; plus strand). Cytogenetic location: 12q24.31.
Variant type: single nucleotide variant.
Coding change: c.955+2T>C on transcript NM_000545.8 (MANE Select); the canonical splice donor site of the intron after coding-DNA position 955, T replaced by C.
Molecular consequence: splice donor variant.
Genome position (GRCh38, 1-based): chr12:120,994,407, T>C. VCF-style: chr12-120994407-T-C. GRCh37 (hg19) VCF-style: chr12-121432210-T-C.
Other names: c.955+2T>C (NM_001306179.2, NM_001406915.1).
Identifiers: ClinVar variation 1767359 (VCV001767359.2), dbSNP rs2135842812, ClinGen allele CA386966972.
Genomic context (GRCh38, chr12:120,994,407, plus strand): 5'-GCCCGCTCACAGCTCCCCTGGCCTGCCTCCACCTGCCCTCTCCCCCAGTAAGGTCCACGG[T>C]AAGTGGTATGTGGGGACAAGGGACACGTGGGAAGGTGGGAGGGTTGGGGAGGACTGTCCC-3'